The following is an entry in ClinVar:

ClinVar aggregate classification (germline): Conflicting classifications of pathogenicity. Review status: criteria provided, conflicting classifications (1 of 4 stars). 4 submissions from 4 submitters: Uncertain significance (1); Likely benign (3). Last evaluated 2025-11-28.

Conditions:
TRPM1-related disorder. Also called: TRPM1-related condition.
Congenital stationary night blindness 1C. Also called: Night blindness, congenital stationary (complete), 1C, autosomal recessive. Identifiers: Orphanet 215, MedGen C2750747, MONDO:0013183, OMIM 613216.

Allele frequency attached by ClinVar (database versions not stated): TOPMed 0.00005; gnomAD 0.00007; ESP Exome Variant Server 0.00008.
gnomAD v4.1: 86 of 1,614,030 alleles (0.0053%); highest among the groups gnomAD compares: Non-Finnish European, 0.0066%; no homozygotes.

Submissions (4):

Labcorp Genetics (formerly Invitae), Labcorp
Classification: Likely benign. Last evaluated: 2025-11-28. Review status: criteria provided, single submitter. Criteria: Invitae Variant Classification Sherloc (09022015). Collection method: clinical testing. Allele origin: germline.

PreventionGenetics, part of Exact Sciences
Classification: Likely benign for TRPM1-related condition. Last evaluated: 2025-03-20. Review status: criteria provided, single submitter. Criteria: ACMG Guidelines, 2015. Collection method: clinical testing. Allele origin: germline.
Comment: This variant is classified as likely benign based on ACMG/AMP sequence variant interpretation guidelines (Richards et al. 2015 PMID: 25741868, with internal and published modifications).

Blueprint Genetics
Classification: Likely benign. Last evaluated: 2024-08-23. Review status: criteria provided, single submitter. Criteria: ACMG Guidelines, 2015. Collection method: clinical testing. Allele origin: germline.

Illumina Laboratory Services, Illumina
Classification: Uncertain significance for Congenital stationary night blindness 1C. Last evaluated: 2018-01-13. Review status: criteria provided, single submitter. Criteria: ICSL Variant Classification Criteria 13 December 2019. Collection method: clinical testing. Allele origin: germline.

NM_001252024.2(TRPM1):c.2514C>T (p.Ile838=)

Gene: TRPM1 (transient receptor potential cation channel subfamily M member 1; minus strand). Cytogenetic location: 15q13.3.
Variant type: single nucleotide variant.
Coding change: c.2514C>T on transcript NM_001252024.2 (MANE Select); coding-DNA position 2514, C replaced by T.
Protein change: p.Ile838=; no amino-acid change (isoleucine 838 retained).
Molecular consequence: synonymous variant.
Genome position (GRCh38, 1-based): chr15:31,037,768, G>A on the plus strand (C>T on the coding strand, the complement: TRPM1 is on the minus strand). VCF-style: chr15-31037768-G-A. GRCh37 (hg19) VCF-style: chr15-31329971-G-A.
Other names: c.2565C>T, p.Ile855= (NM_001252020.2); c.2448C>T, p.Ile816= (NM_002420.6); c.2565C>T (NM_001252020.1).
Identifiers: ClinVar variation 708961 (VCV000708961.13), dbSNP rs376705938, ClinGen allele CA7452175.